The following is an entry in ClinVar:

NM_001101.5(ACTB):c.209C>T (p.Pro70Leu)

Gene: ACTB (actin beta; minus strand). Cytogenetic location: 7p22.1.
Variant type: single nucleotide variant.
Coding change: c.209C>T on transcript NM_001101.5 (MANE Select); coding-DNA position 209, C replaced by T.
Protein change: p.Pro70Leu; replaces proline 70 with leucine.
Molecular consequence: missense variant.
Genome position (GRCh38, 1-based): chr7:5,529,315, G>A on the plus strand (C>T on the coding strand, the complement: ACTB is on the minus strand). VCF-style: chr7-5529315-G-A. GRCh37 (hg19) VCF-style: chr7-5568946-G-A.
Other names: c.209C>T (LRG_132t1); short protein forms P70L.
Identifiers: ClinVar variation 127162 (VCV000127162.8), dbSNP rs587779769, ClinGen allele CA213207.

ClinVar aggregate classification (germline): Conflicting classifications of pathogenicity. Review status: criteria provided, conflicting classifications (1 of 4 stars). 5 submissions from 5 submitters: Pathogenic (2); Likely pathogenic (1); Uncertain significance (1). 1 of the submissions does not count toward it. Last evaluated 2024-08-08.

Conditions:
Baraitser-Winter syndrome 1 (BRWS1). Also called: BARAITSER-WINTER SYNDROME 1, ATYPICAL; PACHYGYRIA, MENTAL RETARDATION, EPILEPSY, AND CHARACTERISTIC FACIES; MENTAL RETARDATION WITH EPILEPSY AND CHARACTERISTIC FACIES; Cerebrofrontofacial syndrome. Identifiers: Orphanet 2649, Orphanet 2995, MedGen C1855722, MONDO:0009470, OMIM 243310.

Submissions (5):

GeneDx
Classification: Pathogenic. Last evaluated: 2024-08-08. Review status: criteria provided, single submitter. Criteria: GeneDx Variant Classification Process June 2021. Collection method: clinical testing. Allele origin: germline. Affected: yes.
Comment: Identified in unrelated patients with ACTB-related clinical features referred for genetic testing at GeneDx and in published literature (PMID: 25052316); Missense variants in this gene are a common cause of disease and they are underrepresented in the general population; In silico analysis supports that this missense variant has a deleterious effect on protein structure/function; Not observed at significant frequency in large population cohorts (gnomAD); This variant is associated with the following publications: (PMID: 37500730, 25052316, 26275891)

Labcorp Genetics (formerly Invitae), Labcorp
Classification: Uncertain significance for Baraitser-Winter syndrome 1. Last evaluated: 2024-08-06. Review status: criteria provided, single submitter. Criteria: Invitae Variant Classification Sherloc (09022015). Collection method: clinical testing. Allele origin: germline.
Comment: This sequence change replaces proline, which is neutral and non-polar, with leucine, which is neutral and non-polar, at codon 70 of the ACTB protein (p.Pro70Leu). This variant is not present in population databases (gnomAD no frequency). This missense change has been observed in individual(s) with Baraister-Winter syndrome (PMID: 25052316, 26275891). ClinVar contains an entry for this variant (Variation ID: 127162). Advanced modeling of protein sequence and biophysical properties (such as structural, functional, and spatial information, amino acid conservation, physicochemical variation, residue mobility, and thermodynamic stability) performed at Invitae indicates that this missense variant is expected to disrupt ACTB protein function with a positive predictive value of 80%. This variant disrupts the p.Pro70 amino acid residue in ACTB. Other variant(s) that disrupt this residue have been determined to be pathogenic (PMID: 30733661). This suggests that this residue is clinically significant, and that variants that disrupt this residue are likely to be disease-causing. In summary, the available evidence is currently insufficient to determine the role of this variant in disease. Therefore, it has been classified as a Variant of Uncertain Significance.

Victorian Clinical Genetics Services, Murdoch Childrens Research Institute
Classification: Pathogenic for Baraitser-Winter syndrome 1. Last evaluated: 2023-07-17. Review status: criteria provided, single submitter. Criteria: ACMG Guidelines, 2015. Collection method: clinical testing. Allele origin: germline. Inheritance: Autosomal dominant inheritance. Affected: yes.
Comment: Based on the classification scheme VCGS_Germline_v1.3.4, this variant is classified as Pathogenic. Following criteria are met: 0102 - Loss of function is a known mechanism of disease in this gene and is associated with ACTB-related neurodevelopmental disorder. However, gain of function, dominant negative and loss of function are suggested mechanisms for variants associated with Baraitser-Winter syndrome (MIM#243310; PMID: 29220674). The mechanism of juvenile-onset dystonia (MIM#607371) is unclear. (I) 0107 - This gene is associated with autosomal dominant disease. (I) 0115 - Variants in this gene are known to have variable expressivity. High clinical variability has been observed between individuals with Baraitser-Winter syndrome who harbour the same variant (PMID: 26583190, PMID: 30315159). (I) 0200 - Variant is predicted to result in a missense amino acid change from proline to leucine. (I) 0251 - This variant is heterozygous. (I) 0301 - Variant is absent from gnomAD (both v2 and v3). (SP) 0501 - Missense variant consistently predicted to be damaging by multiple in silico tools or highly conserved with a major amino acid change. (SP) 0603 - Missense variant in a region that is highly intolerant to missense variation (high constraint region in DECIPHER). (SP) 0704 - Another missense variant comparable to the one identified in this case has limited previous evidence for pathogenicity. This alternative change (p.(Pro70Ala)) has been reported as de novo in an individual with Baraitser-Winter syndrome (BWS; PMID: 30733661). Another comparable variant (p.(Pro70His)) has been reported as a VUS (ClinVar). (SP) 0801 - This variant has strong previous evidence of pathogenicity in unrelated individuals. This variant has been observed twice as de novo, and reported as pathogenic and likely pathogenic in an additional three unrelated individuals with BWS (LOVD, VCGS, ClinVar, PMID: 26275891, PMID: 25052316). (SP) 0905 - No published segregation evidence has been identified for this variant. (SP) Legend: (SP) - Supporting pathogenic, (I) - Information, (SB) - Supporting benign

Institute of Medical Genetics and Applied Genomics, University Hospital Tübingen
Classification: Likely pathogenic. Last evaluated: 2020-10-23. Review status: criteria provided, single submitter. Criteria: ACMG Guidelines, 2015. Collection method: clinical testing. Allele origin: germline. Inheritance: Autosomal unknown. Affected: yes.

Department of Genetics, Robert DEBRE University Hospital
Classification: Pathogenic for Iris coloboma with ptosis, hypertelorism, and mental retardation. Last evaluated: 2014-04-15. Review status: no assertion criteria provided. Collection method: clinical testing. Allele origin: germline. Affected: yes. Observed: 1 variant allele. Not counted in ClinVar's aggregate classification.

Literature cited by the submitters: PubMed 25052316 (cited by 3 submitters); PubMed 26275891 (cited by Labcorp Genetics (formerly Invitae), Labcorp and Victorian Clinical Genetics Services, Murdoch Childrens Research Institute); PubMed 30733661 (cited by Labcorp Genetics (formerly Invitae), Labcorp and Victorian Clinical Genetics Services, Murdoch Childrens Research Institute); PubMed 26583190 (cited by Victorian Clinical Genetics Services, Murdoch Childrens Research Institute); PubMed 29220674 (cited by Victorian Clinical Genetics Services, Murdoch Childrens Research Institute); PubMed 30315159 (cited by Victorian Clinical Genetics Services, Murdoch Childrens Research Institute).